The following is an entry in ClinVar:

NM_004304.5(ALK):c.1789G>A (p.Val597Met)

Gene: ALK (ALK receptor tyrosine kinase; minus strand). Cytogenetic location: 2p23.2.
Variant type: single nucleotide variant.
Coding change: c.1789G>A on transcript NM_004304.5 (MANE Select); coding-DNA position 1789, G replaced by A.
Protein change: p.Val597Met; replaces valine 597 with methionine.
Molecular consequence: missense variant.
Genome position (GRCh38, 1-based): chr2:29,296,916, C>T on the plus strand (G>A on the coding strand, the complement: ALK is on the minus strand). VCF-style: chr2-29296916-C-T. GRCh37 (hg19) VCF-style: chr2-29519782-C-T.
Other names: c.1789G>A (NM_004304.4); short protein forms V597M.
Identifiers: ClinVar variation 3019881 (VCV003019881.4), dbSNP rs1287192859, ClinGen allele CA346465920.

ClinVar aggregate classification (germline): Uncertain significance. Review status: criteria provided, multiple submitters, no conflicts (2 of 4 stars). 2 submissions from 2 submitters: Uncertain significance (2). Last evaluated 2025-10-29.

Conditions:
Hereditary cancer-predisposing syndrome. Also called: Hereditary Cancer Syndrome; Tumor predisposition; Hereditary neoplastic syndrome; Neoplastic Syndromes, Hereditary. Identifiers: Orphanet 140162, MedGen C0027672, MeSH D009386, MONDO:0015356.
Neuroblastoma, susceptibility to, 3. Also called: ALK-Related Neuroblastic Tumor Susceptibility. Identifiers: Orphanet 635, MedGen C2751681, MONDO:0013083, OMIM 613014.

gnomAD v4.1: 4 of 1,614,176 alleles (0.00025%); highest among the groups gnomAD compares: Non-Finnish European, 0.00034%; no homozygotes.

Submissions (2):

Labcorp Genetics (formerly Invitae), Labcorp
Classification: Uncertain significance for Neuroblastoma, susceptibility to, 3. Last evaluated: 2025-10-29. Review status: criteria provided, single submitter. Criteria: Invitae Variant Classification Sherloc (09022015). Collection method: clinical testing. Allele origin: germline.
Comment: This sequence change replaces valine, which is neutral and non-polar, with methionine, which is neutral and non-polar, at codon 597 of the ALK protein (p.Val597Met). This variant is not present in population databases (gnomAD no frequency). This variant has not been reported in the literature in individuals affected with ALK-related conditions. ClinVar contains an entry for this variant (Variation ID: 3019881). An algorithm developed to predict the effect of missense changes on protein structure and function (PolyPhen-2) suggests that this variant is likely to be disruptive. In summary, the available evidence is currently insufficient to determine the role of this variant in disease. Therefore, it has been classified as a Variant of Uncertain Significance.

Ambry Genetics
Classification: Uncertain significance for Hereditary cancer-predisposing syndrome. Last evaluated: 2024-05-10. Review status: criteria provided, single submitter. Criteria: Ambry Variant Classification Scheme 2023. Collection method: clinical testing. Allele origin: germline.
Comment: The p.V597M variant (also known as c.1789G>A), located in coding exon 9 of the ALK gene, results from a G to A substitution at nucleotide position 1789. The valine at codon 597 is replaced by methionine, an amino acid with highly similar properties. This amino acid position is conserved. In addition, this alteration is predicted to be tolerated by in silico analysis. Based on the available evidence, the clinical significance of this variant remains unclear.